The following is an entry in ClinVar:

NM_018451.5(CPAP):c.3767T>C (p.Phe1256Ser)

Genes: CPAP (centrosome assembly and centriole elongation protein; minus strand), RNF17 (ring finger protein 17; plus strand). Cytogenetic location: 13q12.12.
Variant type: single nucleotide variant.
Coding change: c.3767T>C on transcript NM_018451.5 (MANE Select); coding-DNA position 3767, T replaced by C.
Protein change: p.Phe1256Ser; replaces phenylalanine 1256 with serine.
Molecular consequence: missense variant. On other transcripts: non-coding transcript variant (2).
Genome position (GRCh38, 1-based): chr13:24,884,020, A>G on the plus strand (T>C on the coding strand, the complement: CPAP is on the minus strand). VCF-style: chr13-24884020-A-G. GRCh37 (hg19) VCF-style: chr13-25458158-A-G.
Other names: short protein forms F1256S.
Identifiers: ClinVar variation 3375724 (VCV003375724.1).

ClinVar aggregate classification (germline): Uncertain significance (1 of 4 stars; one submission).

gnomAD v4.1: 7 of 1,614,108 alleles (0.00043%); highest among the groups gnomAD compares: Non-Finnish European, 0.00059%; no homozygotes.

Submission:

GeneDx
Classification: Uncertain significance. Last evaluated: 2024-05-10. Review status: criteria provided, single submitter. Criteria: GeneDx Variant Classification Process June 2021. Collection method: clinical testing. Allele origin: germline. Affected: yes.
Comment: Not observed at significant frequency in large population cohorts (gnomAD); In silico analysis supports that this missense variant has a deleterious effect on protein structure/function; Has not been previously published as pathogenic or benign to our knowledge